The following is an entry in ClinVar:

NM_001297.5(CNGB1):c.3150del (p.Phe1051fs)

Gene: CNGB1 (cyclic nucleotide gated channel subunit beta 1; minus strand). Cytogenetic location: 16q21.
Variant type: Deletion.
Coding change: c.3150del on transcript NM_001297.5 (MANE Select); coding-DNA position 3150, one base deleted (G; older notation c.3150delG).
Protein change: p.Phe1051fs; shifts the reading frame from phenylalanine 1051.
Molecular consequence: frameshift variant.
Genome position (GRCh38, 1-based): chr16:57,897,489, C deleted on the plus strand (G on the coding strand, the reverse complement: CNGB1 is on the minus strand); the first of 3 consecutive C bases (chr16:57,897,489-57,897,491); deleting any one gives the same sequence. VCF-style (leftmost placement, unchanged base first): chr16-57897488-AC-A. GRCh37 (hg19) VCF-style: chr16-57931392-AC-A.
Other names: c.3150del (NM_001297.4); c.3132del, p.Phe1045fs (NM_001286130.2); short protein forms F1045fs, F1051fs.
Identifiers: ClinVar variation 280141 (VCV000280141.14), dbSNP rs753353134, ClinGen allele CA8082655.
Genomic context (GRCh38, chr16:57,897,488, plus strand): 5'-CAGGATAATGCACCAAAATCTCATTCAGGTCCTTCTTATCCAGGATGAAGAGGTTGGTAA[AC>A]CCGTGCGCCACCACGTTGGCCGTGCGCCGGTTCCCGCCCCCAACAGCCAGCAAGCTGGGG-3'

ClinVar aggregate classification (germline): Pathogenic. Review status: criteria provided, multiple submitters, no conflicts (2 of 4 stars). 7 submissions from 7 submitters: Pathogenic (7). Last evaluated 2026-08-06.

Conditions:
CNGB1-related disorder. Also called: CNGB1-related condition.
Retinitis pigmentosa 45 (RP45). Identifiers: Orphanet 791, MedGen C3151066, MONDO:0013413, OMIM 613767.

Submissions (7):

OLLIN Analises Genomicas, OLLIN
Classification: Pathogenic for Retinitis pigmentosa 45. Last evaluated: 2026-08-06. Review status: criteria provided, single submitter. Criteria: ACMG Guidelines 2015 PMID 25741868. Collection method: clinical testing. Allele origin: germline. Inheritance: Autosomal recessive inheritance.
Comment: This frameshift variant, located in exon 31 (of 33), has been reported in ClinVar (accession VCV000280141.12), in gnomAD with an allele frequency of 0.0021%, and in the scientific literature, in compound heterozygosity, in individuals with CNGB1 related disorders (PMID: 24043777, 15557452). This variant causes a frameshift and introduces a premature stop codon, which is predicted to result in either a truncated protein or degradation of the mRNA via nonsense-mediated decay (NMD). According to the currently available evidence, this variant has been classified as pathogenic (PVS1, PM2_P, PM3_VS).

PreventionGenetics, part of Exact Sciences
Classification: Pathogenic for CNGB1-related condition. Last evaluated: 2026-05-12. Review status: criteria provided, single submitter. Criteria: ACMG Guidelines, 2015. Collection method: clinical testing. Allele origin: germline.
Comment: The CNGB1 c.3150delG variant is predicted to result in a frameshift and premature protein termination (p.Phe1051Leufs*12). This variant has been reported in multiple individuals with retinitis pigmentosa (see for examples: Nishiguchi et al. 2013. PubMed ID: 24043777; Petersen-Jones et al. 2018. PubMed ID: 29202463; Nassisi et al. 2021. PubMed ID: 33847019). This variant is present in 0.0057% of alleles in individuals of Latino descent in gnomAD. Frameshift variants in CNGB1 are an established mechanism of disease. This variant is interpreted as pathogenic.

Labcorp Genetics (formerly Invitae), Labcorp
Classification: Pathogenic. Last evaluated: 2025-11-24. Review status: criteria provided, single submitter. Criteria: Invitae Variant Classification Sherloc (09022015). Collection method: clinical testing. Allele origin: germline.
Comment: This sequence change creates a premature translational stop signal (p.Phe1051Leufs*12) in the CNGB1 gene. It is expected to result in an absent or disrupted protein product. Loss-of-function variants in CNGB1 are known to be pathogenic (PMID: 15557452, 24043777). This variant is present in population databases (rs753353134, gnomAD 0.006%). This premature translational stop signal has been observed in individual(s) with autosomal recessive retinitis pigmentosa (PMID: 24043777, 29202463). It has also been observed to segregate with disease in related individuals. This variant is also known as p.G1050fs. ClinVar contains an entry for this variant (Variation ID: 280141). For these reasons, this variant has been classified as Pathogenic.

Blueprint Genetics
Classification: Pathogenic for CNGB1-related disorders. Last evaluated: 2024-08-27. Review status: criteria provided, single submitter. Criteria: ACMG Guidelines, 2015. Collection method: clinical testing. Allele origin: germline. Affected: yes. Observed: 5 variant alleles.

Fulgent Genetics
Classification: Pathogenic for Retinitis pigmentosa 45. Last evaluated: 2024-04-09. Review status: criteria provided, single submitter. Criteria: ACMG Guidelines, 2015. Collection method: clinical testing. Allele origin: germline.

Ocular Genomics Institute, Massachusetts Eye and Ear
Classification: Pathogenic for Retinitis pigmentosa 45. Last evaluated: 2021-04-08. Review status: criteria provided, single submitter. Criteria: ACMG Guidelines, 2015. Collection method: research. Allele origin: germline. Affected: yes.
Comment: Through a review of available evidence we were able to apply the following criteria: PVS1, PM2, PP1. Based on this evidence we have classified this variant as Pathogenic.

GeneDx
Classification: Pathogenic. Last evaluated: 2017-11-21. Review status: criteria provided, single submitter. Criteria: GeneDx Variant Classification (06012015). Collection method: clinical testing. Allele origin: germline. Affected: yes.
Comment: The c.3150delG variant causes a frameshift starting with codon Phenylalanine 1051, changes this amino acid to a Leucine residue, and creates a premature Stop codon at position 12 of the new reading frame, denoted p.Phe1051LeufsX12. This variant is predicted to cause loss of normal protein function either through protein truncation or nonsense-mediated mRNA decay. The c.3150delG variant was not observed in approximately 6000 individuals of European and African American ancestry in the NHLBI Exome Sequencing Project, indicating it is not a common benign variant in these populations. We interpret c.3150delG as a pathogenic variant.

Literature cited by the submitters: PubMed 24043777 (cited by 3 submitters); PubMed 15557452 (cited by OLLIN Analises Genomicas, OLLIN and Labcorp Genetics (formerly Invitae), Labcorp); PubMed 29202463 (cited by Labcorp Genetics (formerly Invitae), Labcorp and Ocular Genomics Institute, Massachusetts Eye and Ear).